The following is an entry in ClinVar:

NM_001282225.2(ADA2):c.641T>C (p.Ile214Thr)

Gene: ADA2 (adenosine deaminase 2; minus strand). Cytogenetic location: 22q11.1.
Variant type: single nucleotide variant.
Coding change: c.641T>C on transcript NM_001282225.2 (MANE Select); coding-DNA position 641, T replaced by C.
Protein change: p.Ile214Thr; replaces isoleucine 214 with threonine.
Molecular consequence: missense variant.
Genome position (GRCh38, 1-based): chr22:17,203,675, A>G on the plus strand (T>C on the coding strand, the complement: ADA2 is on the minus strand). VCF-style: chr22-17203675-A-G. GRCh37 (hg19) VCF-style: chr22-17684565-A-G.
Other names: c.641T>C, p.Ile214Thr (NM_001282226.2); c.515T>C, p.Ile172Thr (NM_001282227.2, NM_001282228.2); c.281T>C, p.Ile94Thr (NM_001282229.2); short protein forms I172T, I214T, I94T.
Identifiers: ClinVar variation 1005982 (VCV001005982.6), dbSNP rs369510859, ClinGen allele CA10088167.

ClinVar aggregate classification (germline): Uncertain significance (1 of 4 stars; one submission).

Conditions:
Deficiency of adenosine deaminase 2. Also called: Polyarteritis nodosa, childhoood-onset; Adenosine Deaminase 2 Deficiency; VASCULITIS, AUTOINFLAMMATION, IMMUNODEFICIENCY, AND HEMATOLOGIC DEFECTS SYNDROME. Identifiers: Orphanet 404553, MedGen C3887654, MONDO:0014306, OMIM 615688, MONDO:0100317.

Allele frequency attached by ClinVar (database versions not stated): gnomAD exomes below 0.00001 and 0.00001; gnomAD 0.00001; TOPMed 0.00001; ExAC 0.00002; ESP Exome Variant Server 0.00008.
gnomAD v4.1: 8 of 1,613,860 alleles (0.0005%); highest among the groups gnomAD compares: Non-Finnish European, 0.00068%; no homozygotes.

Submission:

Labcorp Genetics (formerly Invitae), Labcorp
Classification: Uncertain significance for Deficiency of adenosine deaminase 2. Last evaluated: 2021-08-24. Review status: criteria provided, single submitter. Criteria: Invitae Variant Classification Sherloc (09022015). Collection method: clinical testing. Allele origin: germline.
Comment: This sequence change replaces isoleucine with threonine at codon 214 of the ADA2 protein (p.Ile214Thr). The isoleucine residue is moderately conserved and there is a moderate physicochemical difference between isoleucine and threonine. This variant is present in population databases (rs369510859, ExAC 0.003%). This variant has not been reported in the literature in individuals affected with ADA2-related conditions. Algorithms developed to predict the effect of missense changes on protein structure and function (SIFT, PolyPhen-2, Align-GVGD) all suggest that this variant is likely to be tolerated. In summary, the available evidence is currently insufficient to determine the role of this variant in disease. Therefore, it has been classified as a Variant of Uncertain Significance.